The following is an entry in ClinVar:

ClinVar aggregate classification (germline): Pathogenic (1 of 4 stars; one submission).

Conditions:
Meckel syndrome, type 5 (MKS5). Identifiers: Orphanet 564, MedGen C1969052, MONDO:0012695, OMIM 611561.

Submission:

Baylor Genetics
Classification: Pathogenic for Meckel syndrome, type 5. Last evaluated: 2018-08-14. Review status: criteria provided, single submitter. Criteria: ACMG Guidelines, 2015. Collection method: clinical testing. Allele origin: unknown. Affected: yes.
Comment: This variant was determined to be pathogenic according to ACMG Guidelines, 2015 [PMID:25741868].

NM_015272.5(RPGRIP1L):c.2581_2582insG (p.Leu861fs)

Gene: RPGRIP1L (RPGRIP1 like; minus strand). Cytogenetic location: 16q12.2.
Variant type: Insertion.
Coding change: c.2581_2582insG on transcript NM_015272.5 (MANE Select); coding-DNA positions 2581 to 2582, G inserted.
Protein change: p.Leu861fs; shifts the reading frame from leucine 861.
Molecular consequence: frameshift variant.
Genome position: GRCh38 VCF-style: chr16-53645726-A-AC. GRCh37 (hg19) VCF-style: chr16-53679638-A-AC.
Other names: c.2581_2582insG, p.Leu861fs (NM_001127897.4, NM_001308334.3, NM_001330538.2); short protein forms L861fs.
Identifiers: ClinVar variation 1032670 (VCV001032670.1), dbSNP rs1966500186, ClinGen allele CA2223254079.